The following is an entry in ClinVar:

ClinVar aggregate classification (germline): Uncertain significance. Review status: reviewed by expert panel (3 of 4 stars). 3 submissions from 3 submitters: Uncertain significance (1). 2 of the submissions do not count toward it. Last evaluated 2024-09-25.

Conditions:
Hereditary thrombocytopenia and hematologic cancer predisposition syndrome. Identifiers: Orphanet 71290, MedGen CN281654, MONDO:0011071.
Inborn genetic diseases. Identifiers: MedGen C0950123, MeSH D030342.
Hereditary thrombocytopenia and hematological cancer predisposition syndrome associated with RUNX1. Also called: PLATELET DISORDER, ASPIRIN-LIKE; Familial Platelet Disorder with Propensity to Acute Myelogenous Leukemia; Familial thrombocytopenia with propensity to acute myelogenous leukemia; RUNX1 Familial Platelet Disorder with Associated Myeloid Malignancies. Identifiers: Orphanet 71290, MedGen C1832388, MeSH C563324, MONDO:0100083, OMIM 601399.

Allele frequency attached by ClinVar (database versions not stated): ExAC 0.00001; gnomAD exomes below 0.00001.
gnomAD v4.1: 3 of 1,610,854 alleles (0.00019%); highest among the groups gnomAD compares: East Asian, 0.0067%; no homozygotes.

Submissions (3):

ClinGen Myeloid Malignancy Variant Curation Expert Panel
Classification: Uncertain significance for Hereditary thrombocytopenia and hematologic cancer predisposition syndrome. Last evaluated: 2024-09-25. Review status: reviewed by expert panel. Criteria: ClinGen MyeloMalig ACMG Specifications v2. Collection method: curation. Allele origin: germline. Inheritance: Autosomal dominant inheritance.
Comment: NM_001754.5(RUNX1):c.227G>A (p.Arg76His) is a missense variant with a REVEL score ≥ 0.88 (0.92) (PP3). In Koh et al 2013, they measured transcriptional activity by Luciferase reporter assay and showed a subnormal activity (>80% compared to WT) (BS3_Supporting). In summary, the clinical significance of this variant is uncertain. ACMG/AMP criteria applied, as specified by the Myeloid Malignancy Variant Curation Expert Panel for RUNX1: PP3, BS3_Supporting.

Ambry Genetics
Classification: Uncertain significance for Inborn genetic diseases. Last evaluated: 2026-09-06. Review status: criteria provided, single submitter. Criteria: Ambry Variant Classification Scheme 2023. Collection method: clinical testing. Allele origin: germline. Not counted in ClinVar's aggregate classification.
Comment: The p.R76H variant (also known as c.227G>A), located in coding exon 3 of the RUNX1 gene, results from a G to A substitution at nucleotide position 227. The arginine at codon 76 is replaced by histidine, an amino acid with highly similar properties. This amino acid position is highly conserved in available vertebrate species. In addition, this alteration is predicted to be deleterious by in silico analysis. Based on the available evidence, the clinical significance of this variant remains unclear.

Labcorp Genetics (formerly Invitae), Labcorp
Classification: Uncertain significance for Hereditary thrombocytopenia and hematological cancer predisposition syndrome associated with RUNX1. Last evaluated: 2022-08-09. Review status: criteria provided, single submitter. Criteria: Invitae Variant Classification Sherloc (09022015). Collection method: clinical testing. Allele origin: germline. Not counted in ClinVar's aggregate classification.
Comment: In summary, the available evidence is currently insufficient to determine the role of this variant in disease. Therefore, it has been classified as a Variant of Uncertain Significance. Experimental studies have shown that this missense change affects RUNX1 function (PMID: 22012064, 23817177). Algorithms developed to predict the effect of missense changes on protein structure and function are either unavailable or do not agree on the potential impact of this missense change (SIFT: "Deleterious"; PolyPhen-2: "Benign"; Align-GVGD: "Class C0"). ClinVar contains an entry for this variant (Variation ID: 1421576). This missense change has been observed in individual(s) with acute myelogeneous leukemia (PMID: 12874780). This variant is present in population databases (rs780816315, gnomAD 0.006%). This sequence change replaces arginine, which is basic and polar, with histidine, which is basic and polar, at codon 76 of the RUNX1 protein (p.Arg76His).

Literature cited by the submitters: PubMed 22012064 (cited by Labcorp Genetics (formerly Invitae), Labcorp); PubMed 23817177 (cited by Labcorp Genetics (formerly Invitae), Labcorp); PubMed 12874780 (cited by Labcorp Genetics (formerly Invitae), Labcorp).

NM_001754.5(RUNX1):c.227G>A (p.Arg76His)

Gene: RUNX1 (RUNX family transcription factor 1; minus strand). Cytogenetic location: 21q22.12.
Variant type: single nucleotide variant.
Coding change: c.227G>A on transcript NM_001754.5 (MANE Select); coding-DNA position 227, G replaced by A.
Protein change: p.Arg76His; replaces arginine 76 with histidine.
Molecular consequence: missense variant.
Genome position (GRCh38, 1-based): chr21:34,886,967, C>T on the plus strand (G>A on the coding strand, the complement: RUNX1 is on the minus strand). VCF-style: chr21-34886967-C-T. GRCh37 (hg19) VCF-style: chr21-36259264-C-T.
Other names: NM_001754.5(RUNX1):c.227G>A; p.Arg76His; c.146G>A, p.Arg49His (NM_001001890.3, NM_001122607.2); c.227G>A (NM_001754.4); short protein forms R49H, R76H.
Identifiers: ClinVar variation 1421576 (VCV001421576.10), dbSNP rs780816315, ClinGen allele CA10014566.